The following is an entry in ClinVar:

ClinVar aggregate classification (germline): Uncertain significance (1 of 4 stars; one submission).

Allele frequency attached by ClinVar (database versions not stated): gnomAD 0.00001; gnomAD exomes 0.00001; TOPMed 0.00002.

Submission:

Labcorp Genetics (formerly Invitae), Labcorp
Classification: Uncertain significance. Last evaluated: 2022-09-27. Review status: criteria provided, single submitter. Criteria: Invitae Variant Classification Sherloc (09022015). Collection method: clinical testing. Allele origin: germline.
Comment: This sequence change replaces proline, which is neutral and non-polar, with serine, which is neutral and polar, at codon 406 of the CEP78 protein (p.Pro406Ser). In summary, the available evidence is currently insufficient to determine the role of this variant in disease. Therefore, it has been classified as a Variant of Uncertain Significance. Advanced modeling of protein sequence and biophysical properties (such as structural, functional, and spatial information, amino acid conservation, physicochemical variation, residue mobility, and thermodynamic stability) performed at Invitae indicates that this missense variant is not expected to disrupt CEP78 protein function. ClinVar contains an entry for this variant (Variation ID: 1053465). This variant has not been reported in the literature in individuals affected with CEP78-related conditions. The frequency data for this variant in the population databases is considered unreliable, as metrics indicate poor data quality at this position in the gnomAD database.

NM_001330691.3(CEP78):c.1213C>T (p.Pro405Ser)

Gene: CEP78 (centrosomal protein 78; plus strand). Cytogenetic location: 9q21.2.
Variant type: single nucleotide variant.
Coding change: c.1213C>T on transcript NM_001330691.3 (MANE Select); coding-DNA position 1213, C replaced by T.
Protein change: p.Pro405Ser; replaces proline 405 with serine.
Molecular consequence: missense variant.
Genome position (GRCh38, 1-based): chr9:78,253,239, C>T. VCF-style: chr9-78253239-C-T. GRCh37 (hg19) VCF-style: chr9-80868155-C-T.
Other names: c.1216C>T, p.Pro406Ser (NM_001098802.3, NM_001349839.2, NM_001349840.2 and 1 more transcripts); c.1213C>T, p.Pro405Ser (NM_001330693.3, NM_001330694.2, NM_001349838.2); short protein forms P405S, P406S.
Identifiers: ClinVar variation 1053465 (VCV001053465.9), dbSNP rs903138525, ClinGen allele CA194404241.
Genomic context (GRCh38, chr9:78,253,239, plus strand): 5'-ACTGGTGGTGTATTTACATCAAAATATAACTTAATTTATCGATATCTTTTTAGGGGTTTC[C>T]CATTAATCAAAACACGTGATATATGTAATCAGTTGCAGGTACGTAGTTACCATGTTTATA-3'
Protein context (NP_001317620.1, residues 395-415): AERAKRHRGF[Pro405Ser]LIKTRDICNQ